The following is an entry in ClinVar:

NM_000530.8(MPZ):c.431_433del (p.Leu144_Tyr145delinsHis)

Gene: MPZ (myelin protein zero; minus strand). Cytogenetic location: 1q23.3.
Variant type: Deletion.
Coding change: c.431_433del on transcript NM_000530.8 (MANE Select); coding-DNA positions 431 to 433, 3 bases deleted (TGT; older notation c.431_433delTGT).
Protein change: p.Leu144_Tyr145delinsHis.
Molecular consequence: inframe indel.
Genome position (GRCh38, 1-based): chr1:161,306,723-161,306,725, ACA deleted on the plus strand (TGT on the coding strand, the reverse complement: MPZ is on the minus strand). VCF-style (leftmost placement, unchanged base first): chr1-161306722-TACA-T. GRCh37 (hg19) VCF-style: chr1-161276512-TACA-T.
Other names: c.431_433del, p.Leu144_Tyr145delinsHis (NM_001315491.2).
Identifiers: ClinVar variation 949104 (VCV000949104.9), dbSNP rs1670258438, ClinGen allele CA1139656405.

ClinVar aggregate classification (germline): Pathogenic (1 of 4 stars; one submission).

Conditions:
Charcot-Marie-Tooth disease, type I (CMT1). Also called: Charcot-Marie-Tooth, Type 1; Charcot-Marie-Tooth disease type 1. Identifiers: Orphanet 65753, MedGen C0751036, MONDO:0019011.

Submission:

Labcorp Genetics (formerly Invitae), Labcorp
Classification: Pathogenic for Charcot-Marie-Tooth disease, type I. Last evaluated: 2023-10-03. Review status: criteria provided, single submitter. Criteria: Invitae Variant Classification Sherloc (09022015). Collection method: clinical testing. Allele origin: germline.
Comment: This variant, c.431_433del, is a complex sequence change that results in the deletion of 2 and insertion of 1 amino acid(s) in the MPZ protein (p.Leu144_Tyr145delinsHis). This variant is not present in population databases (gnomAD no frequency). This variant has been observed in individual(s) with clinical features of MPZ-related conditions (Invitae). In at least one individual the variant was observed to be de novo. ClinVar contains an entry for this variant (Variation ID: 949104). Algorithms developed to predict the effect of sequence changes on RNA splicing suggest that this variant may disrupt the consensus splice site. For these reasons, this variant has been classified as Pathogenic.